The following is an entry in ClinVar:

NM_001009944.3(PKD1):c.8332_8344dup (p.Val2782fs)

Gene: PKD1 (polycystin 1, transient receptor potential channel interacting; minus strand). Cytogenetic location: 16p13.3.
Variant type: Duplication.
Coding change: c.8332_8344dup on transcript NM_001009944.3 (MANE Select); coding-DNA positions 8332 to 8344, 13 bases duplicated (GGCGAGGAGATCG).
Protein change: p.Val2782fs; shifts the reading frame from valine 2782.
Molecular consequence: frameshift variant.
Genome position (GRCh38, 1-based): chr16:2,103,713-2,103,725, CGATCTCCTCGCC duplicated on the plus strand (GGCGAGGAGATCG on the coding strand, the reverse complement: PKD1 is on the minus strand); duplicating any 13 consecutive bases within chr16:2,103,713-2,103,727 gives the same sequence; the c. name uses the placement nearest the transcript's 3' end. VCF-style (leftmost placement, unchanged base first): chr16-2103712-A-ACGATCTCCTCGCC. GRCh37 (hg19) VCF-style: chr16-2153713-A-ACGATCTCCTCGCC.
Other names: c.8332_8344dup, p.Val2782fs (NM_000296.4); short protein forms V2782fs.
Identifiers: ClinVar variation 3236121 (VCV003236121.1), dbSNP rs2544745408, ClinGen allele CA2825002369.

ClinVar aggregate classification (germline): Pathogenic (1 of 4 stars; one submission).

Conditions:
Polycystic kidney disease, adult type (PKD1). Also called: Polycystic Kidney Disease 1, Autosomal Dominant; Polycystic kidney disease 1; Polycystic kidney disease 1, severe; Polycystic Kidney, Autosomal Dominant; POLYCYSTIC KIDNEY DISEASE 1 WITH OR WITHOUT POLYCYSTIC LIVER DISEASE; POLYCYSTIC KIDNEY DISEASE, ADULT, TYPE I. Identifiers: MedGen C3149841, MONDO:0008263, OMIM 173900.

Submission:

MVZ Medizinische Genetik Mainz
Classification: Pathogenic for Polycystic kidney disease, adult type. Last evaluated: 2022-03-24. Review status: criteria provided, single submitter. Criteria: UK Practice Guidelines For Variant Classification V4 01 2020. Collection method: clinical testing. Allele origin: germline. Inheritance: Autosomal dominant inheritance. Affected: yes. Observed: 1 variant allele.
Comment: ACMG Criteria: PVS1, PM2_SUP, PP4